The following is an entry in ClinVar:

NM_003072.5(SMARCA4):c.858A>G (p.Glu286=)

Gene: SMARCA4 (SWI/SNF related BAF chromatin remodeling complex subunit ATPase 4; plus strand). Cytogenetic location: 19p13.2.
Variant type: single nucleotide variant.
Coding change: c.858A>G on transcript NM_003072.5 (MANE Select); coding-DNA position 858, A replaced by G.
Protein change: p.Glu286=; no amino-acid change (glutamic acid 286 retained).
Molecular consequence: synonymous variant. On other transcripts: non-coding transcript variant (1).
Genome position (GRCh38, 1-based): chr19:10,987,002, A>G. VCF-style: chr19-10987002-A-G. GRCh37 (hg19) VCF-style: chr19-11097678-A-G.
Other names: c.858A>G, p.Glu286= (NM_001128844.3, NM_001128845.2, NM_001128846.2 and 6 more transcripts).
Identifiers: ClinVar variation 2092449 (VCV002092449.4), dbSNP rs2145798320, ClinGen allele CA505488888.

ClinVar aggregate classification (germline): Uncertain significance (1 of 4 stars; one submission).

Conditions:
Rhabdoid tumor predisposition syndrome 2 (RTPS2). Identifiers: Orphanet 231108, Orphanet 69077, MedGen C2750074, MONDO:0013224, OMIM 613325.

Submission:

Labcorp Genetics (formerly Invitae), Labcorp
Classification: Uncertain significance for Rhabdoid tumor predisposition syndrome 2. Last evaluated: 2022-02-03. Review status: criteria provided, single submitter. Criteria: Invitae Variant Classification Sherloc (09022015). Collection method: clinical testing. Allele origin: germline.
Comment: This variant has not been reported in the literature in individuals affected with SMARCA4-related conditions. This sequence change affects codon 286 of the SMARCA4 mRNA. It is a 'silent' change, meaning that it does not change the encoded amino acid sequence of the SMARCA4 protein. It affects a nucleotide within the consensus splice site. This variant is not present in population databases (gnomAD no frequency). Algorithms developed to predict the effect of sequence changes on RNA splicing suggest that this variant may disrupt the consensus splice site. In summary, the available evidence is currently insufficient to determine the role of this variant in disease. Therefore, it has been classified as a Variant of Uncertain Significance.